The following is an entry in ClinVar:

NM_000051.4(ATM):c.493T>C (p.Leu165=)

Gene: ATM (ATM serine/threonine kinase; plus strand). Cytogenetic location: 11q22.3.
Variant type: single nucleotide variant.
Coding change: c.493T>C on transcript NM_000051.4 (MANE Select); coding-DNA position 493, T replaced by C.
Protein change: p.Leu165=; no amino-acid change (leucine 165 retained).
Molecular consequence: synonymous variant.
Genome position (GRCh38, 1-based): chr11:108,235,831, T>C. VCF-style: chr11-108235831-T-C. GRCh37 (hg19) VCF-style: chr11-108106558-T-C.
Other names: c.493T>C, p.Leu165= (NM_001351834.2).
Identifiers: ClinVar variation 236726 (VCV000236726.18), dbSNP rs878853514, ClinGen allele CA10582787.

ClinVar aggregate classification (germline): Benign/Likely benign. Review status: criteria provided, multiple submitters, no conflicts (2 of 4 stars). 4 submissions from 4 submitters: Benign (1); Likely benign (3). Last evaluated 2025-11-17.

Conditions:
Hereditary cancer-predisposing syndrome. Also called: Tumor predisposition; Hereditary Cancer Syndrome; Hereditary neoplastic syndrome; Neoplastic Syndromes, Hereditary. Identifiers: Orphanet 140162, MedGen C0027672, MeSH D009386, MONDO:0015356.
Familial cancer of breast. Also called: hereditary breast carcinoma; BREAST CANCER, FAMILIAL; Hereditary breast cancer. Identifiers: Orphanet 227535, MedGen C0346153, MONDO:0016419, OMIM 114480. Disease mechanism: loss of function.
Ataxia-telangiectasia syndrome (AT). Also called: Ataxia telangiectasia (A-T); LOUIS-BAR SYNDROME; Cerebello-oculocutaneous telangiectasia; Immunodeficiency with ataxia telangiectasia; ATAXIA-TELANGIECTASIA, COMPLEMENTATION GROUP A; ATAXIA-TELANGIECTASIA, FRESNO VARIANT. Identifiers: Orphanet 100, MedGen C0004135, MONDO:0008840, OMIM 208900.

Allele frequency attached by ClinVar (database versions not stated): gnomAD exomes below 0.00001 and 0.00001; gnomAD 0.00001; TOPMed 0.00001.
gnomAD v4.1: 15 of 1,613,646 alleles (0.00093%); highest among the groups gnomAD compares: Non-Finnish European, 0.0013%; no homozygotes.

Submissions (4):

Labcorp Genetics (formerly Invitae), Labcorp
Classification: Likely benign for Ataxia-telangiectasia syndrome. Last evaluated: 2025-11-17. Review status: criteria provided, single submitter. Criteria: Invitae Variant Classification Sherloc (09022015). Collection method: clinical testing. Allele origin: germline.

Myriad Genetics, Inc.
Classification: Benign for Familial cancer of breast. Last evaluated: 2024-04-19. Review status: criteria provided, single submitter. Criteria: Myriad Autosomal Dominant, Autosomal Recessive and X-Linked Classification Criteria (2023). Collection method: clinical testing. Allele origin: unknown.
Comment: This variant is considered benign. This variant is a silent/synonymous amino acid change and it is not expected to impact splicing.

GeneDx
Classification: Likely benign. Last evaluated: 2018-03-19. Review status: criteria provided, single submitter. Criteria: GeneDx Variant Classification (06012015). Collection method: clinical testing. Allele origin: germline. Affected: yes.
Comment: This variant is considered likely benign or benign based on one or more of the following criteria: it is a conservative change, it occurs at a poorly conserved position in the protein, it is predicted to be benign by multiple in silico algorithms, and/or has population frequency not consistent with disease.

Ambry Genetics
Classification: Likely benign for Hereditary cancer-predisposing syndrome. Last evaluated: 2015-10-30. Review status: criteria provided, single submitter. Criteria: Ambry Variant Classification Scheme 2023. Collection method: clinical testing. Allele origin: germline.